The following is an entry in ClinVar:

NM_004130.4(GYG1):c.175A>G (p.Ile59Val)

Gene: GYG1 (glycogenin 1; plus strand). Cytogenetic location: 3q24.
Variant type: single nucleotide variant.
Coding change: c.175A>G on transcript NM_004130.4 (MANE Select); coding-DNA position 175, A replaced by G.
Protein change: p.Ile59Val; replaces isoleucine 59 with valine.
Molecular consequence: missense variant.
Genome position (GRCh38, 1-based): chr3:148,996,333, A>G. VCF-style: chr3-148996333-A-G. GRCh37 (hg19) VCF-style: chr3-148714120-A-G.
Other names: p.Ile59Val; c.175A>G, p.Ile59Val (NM_001184720.2, NM_001184721.2); c.175A>G (NM_004130.3); short protein forms I59V.
Identifiers: ClinVar variation 1428936 (VCV001428936.7), dbSNP rs535548906, ClinGen allele CA2658490.

ClinVar aggregate classification (germline): Uncertain significance. Review status: criteria provided, multiple submitters, no conflicts (2 of 4 stars). 5 submissions from 5 submitters: Uncertain significance (5). Last evaluated 2025-05-12.

Conditions:
Polyglucosan body myopathy type 2. Identifiers: Orphanet 456369, MedGen C4015452, MONDO:0014526, OMIM 616199.
Glycogen storage disease XV (GSD15). Also called: GLYCOGENIN DEFICIENCY; GSD XV. Identifiers: Orphanet 263297, MedGen C3150754, MONDO:0013291, OMIM 613507.
Inborn genetic diseases. Identifiers: MedGen C0950123, MeSH D030342.

Allele frequency attached by ClinVar (database versions not stated): ExAC 0.00001; gnomAD exomes 0.00004; gnomAD 0.00006; TOPMed 0.00008.
gnomAD v4.1: 65 of 1,611,816 alleles (0.004%); highest among the groups gnomAD compares: Admixed American, 0.0067%; no homozygotes.

Submissions (5):

Mayo Clinic Laboratories, Mayo Clinic
Classification: Uncertain significance. Last evaluated: 2025-05-12. Review status: criteria provided, single submitter. Criteria: ACMG Guidelines, 2015. Collection method: clinical testing. Allele origin: germline. Observed: 1 variant allele.
Comment: BP4_moderate

Ambry Genetics
Classification: Uncertain significance for Inborn genetic diseases. Last evaluated: 2024-02-28. Review status: criteria provided, single submitter. Criteria: Ambry Variant Classification Scheme 2023. Collection method: clinical testing. Allele origin: germline.

Labcorp Genetics (formerly Invitae), Labcorp
Classification: Uncertain significance for Polyglucosan body myopathy type 2; Glycogen storage disease XV. Last evaluated: 2022-04-19. Review status: criteria provided, single submitter. Criteria: Invitae Variant Classification Sherloc (09022015). Collection method: clinical testing. Allele origin: germline.
Comment: This sequence change replaces isoleucine, which is neutral and non-polar, with valine, which is neutral and non-polar, at codon 59 of the GYG1 protein (p.Ile59Val). This variant is present in population databases (rs535548906, gnomAD 0.009%). This variant has not been reported in the literature in individuals affected with GYG1-related conditions. Algorithms developed to predict the effect of missense changes on protein structure and function (SIFT, PolyPhen-2, Align-GVGD) all suggest that this variant is likely to be tolerated. In summary, the available evidence is currently insufficient to determine the role of this variant in disease. Therefore, it has been classified as a Variant of Uncertain Significance.

Fulgent Genetics
Classification: Uncertain significance for Glycogen storage disease XV; Polyglucosan body myopathy type 2. Last evaluated: 2021-07-23. Review status: criteria provided, single submitter. Criteria: ACMG Guidelines, 2015. Collection method: clinical testing. Allele origin: unknown.

Breakthrough Genomics
Classification: Uncertain significance. Review status: criteria provided, single submitter. Criteria: ACMG Guidelines, 2015. Collection method: not provided. Allele origin: germline. Inheritance: Autosomal recessive inheritance. Affected: yes.